The following is an entry in ClinVar:

NM_144573.4(NEXN):c.643C>G (p.Gln215Glu)

Gene: NEXN (nexilin F-actin binding protein; plus strand). Cytogenetic location: 1p31.1.
Variant type: single nucleotide variant.
Coding change: c.643C>G on transcript NM_144573.4 (MANE Select); coding-DNA position 643, C replaced by G.
Protein change: p.Gln215Glu; replaces glutamine 215 with glutamic acid.
Molecular consequence: missense variant.
Genome position (GRCh38, 1-based): chr1:77,926,567, C>G. VCF-style: chr1-77926567-C-G. GRCh37 (hg19) VCF-style: chr1-78392252-C-G.
Other names: c.451C>G, p.Gln151Glu (NM_001172309.2); short protein forms Q215E, Q151E.
Identifiers: ClinVar variation 569703 (VCV000569703.2), dbSNP rs1557981819, ClinGen allele CA340873010.

ClinVar aggregate classification (germline): Uncertain significance. Review status: criteria provided, multiple submitters, no conflicts (2 of 4 stars). 2 submissions from 2 submitters: Uncertain significance (2). Last evaluated 2024-03-25.

Conditions:
Dilated cardiomyopathy 1CC (CMD1CC). Identifiers: Orphanet 154, MedGen C2751084, MONDO:0013147, OMIM 613122.
Hypertrophic cardiomyopathy 20. Identifiers: MedGen C3151267, MONDO:0013477, OMIM 613876.

Allele frequency attached by ClinVar (database versions not stated): gnomAD exomes below 0.00001.
gnomAD v4.1: 2 of 1,613,856 alleles (0.00012%); highest among the groups gnomAD compares: Middle Eastern, 0.017%; no homozygotes.

Submissions (2):

Genomic Medicine Center of Excellence, King Faisal Specialist Hospital and Research Centre
Classification: Uncertain significance for Dilated cardiomyopathy 1CC. Last evaluated: 2024-03-25. Review status: criteria provided, single submitter. Criteria: ACMG Guidelines, 2015. Collection method: clinical testing. Allele origin: germline.

Labcorp Genetics (formerly Invitae), Labcorp
Classification: Uncertain significance for Dilated cardiomyopathy 1CC; Familial hypertrophic cardiomyopathy 20. Last evaluated: 2018-06-28. Review status: criteria provided, single submitter. Criteria: Invitae Variant Classification Sherloc (09022015). Collection method: clinical testing. Allele origin: germline.
Comment: This sequence change replaces glutamine with glutamic acid at codon 215 of the NEXN protein (p.Gln215Glu). The glutamine residue is moderately conserved and there is a small physicochemical difference between glutamine and glutamic acid. This variant is not present in population databases (ExAC no frequency). This variant has not been reported in the literature in individuals with NEXN-related disease. Algorithms developed to predict the effect of missense changes on protein structure and function output the following: SIFT: "Tolerated"; PolyPhen-2: "Benign"; Align-GVGD: "Class C0". The glutamic acid amino acid residue is found in multiple mammalian species, suggesting that this missense change does not adversely affect protein function. These predictions have not been confirmed by published functional studies and their clinical significance is uncertain. In summary, the available evidence is currently insufficient to determine the role of this variant in disease. Therefore, it has been classified as a Variant of Uncertain Significance.